The following is an entry in ClinVar:

ClinVar aggregate classification (germline): Uncertain significance. Review status: criteria provided, multiple submitters, no conflicts (2 of 4 stars). 2 submissions from 2 submitters: Uncertain significance (2). Last evaluated 2025-04-14.

Conditions:
Hereditary cancer-predisposing syndrome. Also called: Neoplastic Syndromes, Hereditary; Hereditary Cancer Syndrome; Hereditary neoplastic syndrome; Tumor predisposition. Identifiers: Orphanet 140162, MedGen C0027672, MeSH D009386, MONDO:0015356.

Allele frequency attached by ClinVar (database versions not stated): TOPMed below 0.00001.

Submissions (2):

Ambry Genetics
Classification: Uncertain significance for Hereditary cancer-predisposing syndrome. Last evaluated: 2025-04-14. Review status: criteria provided, single submitter. Criteria: Ambry Variant Classification Scheme 2023. Collection method: clinical testing. Allele origin: germline.
Comment: The c.801+3A>G intronic variant results from an A to G substitution 3 nucleotides after coding exon 8 in the POLE gene. This nucleotide position is not well conserved in available vertebrate species. In silico splice site analysis predicts that this alteration will not have any significant effect on splicing. Based on the available evidence, the clinical significance of this variant remains unclear.

Labcorp Genetics (formerly Invitae), Labcorp
Classification: Uncertain significance. Last evaluated: 2021-09-21. Review status: criteria provided, single submitter. Criteria: Invitae Variant Classification Sherloc (09022015). Collection method: clinical testing. Allele origin: germline.
Comment: In summary, the available evidence is currently insufficient to determine the role of this variant in disease. Therefore, it has been classified as a Variant of Uncertain Significance. Variants that disrupt the consensus splice site are a relatively common cause of aberrant splicing (PMID: 17576681, 9536098). Algorithms developed to predict the effect of sequence changes on RNA splicing suggest that this variant is not likely to affect RNA splicing. This variant has not been reported in the literature in individuals affected with POLE-related conditions. This variant is not present in population databases (ExAC no frequency). This sequence change falls in intron 8 of the POLE gene. It does not directly change the encoded amino acid sequence of the POLE protein. It affects a nucleotide within the consensus splice site of the intron.

Literature cited by the submitters: PubMed 17576681 (cited by Labcorp Genetics (formerly Invitae), Labcorp); PubMed 9536098 (cited by Labcorp Genetics (formerly Invitae), Labcorp).

NM_006231.4(POLE):c.801+3A>G

Gene: POLE (DNA polymerase epsilon, catalytic subunit; minus strand). Cytogenetic location: 12q24.33.
Variant type: single nucleotide variant.
Coding change: c.801+3A>G on transcript NM_006231.4 (MANE Select); 3 bases into the intron after coding-DNA position 801, A replaced by G.
Molecular consequence: intron variant.
Genome position (GRCh38, 1-based): chr12:132,677,360, T>C on the plus strand (A>G on the coding strand, the complement: POLE is on the minus strand). VCF-style: chr12-132677360-T-C. GRCh37 (hg19) VCF-style: chr12-133253946-T-C.
Other names: c.801+3A>G (NM_006231.2).
Identifiers: ClinVar variation 1437776 (VCV001437776.7), dbSNP rs2043077002, ClinGen allele CA2073003821.